The following is an entry in ClinVar:

ClinVar aggregate classification (germline): Conflicting classifications of pathogenicity. Review status: criteria provided, conflicting classifications (1 of 4 stars). 2 submissions from 2 submitters: Uncertain significance (1); Likely benign (1). Last evaluated 2025-03-15.

Conditions:
Inborn genetic diseases. Identifiers: MedGen C0950123, MeSH D030342.
Baller-Gerold syndrome (BGS). Also called: CRANIOSYNOSTOSIS WITH RADIAL DEFECTS. Identifiers: Orphanet 1225, MedGen C0265308, MONDO:0009039, OMIM 218600.

Allele frequency attached by ClinVar (database versions not stated): gnomAD exomes below 0.00001.
gnomAD v4.1: 2 of 1,612,694 alleles (0.00012%); highest among the groups gnomAD compares: Non-Finnish European, 0.00017%; no homozygotes.

Submissions (2):

Ambry Genetics
Classification: Likely benign for Inborn genetic diseases. Last evaluated: 2025-03-15. Review status: criteria provided, single submitter. Criteria: Ambry Variant Classification Scheme 2023. Collection method: clinical testing. Allele origin: germline.

Labcorp Genetics (formerly Invitae), Labcorp
Classification: Uncertain significance for Baller-Gerold syndrome. Last evaluated: 2023-06-23. Review status: criteria provided, single submitter. Criteria: Invitae Variant Classification Sherloc (09022015). Collection method: clinical testing. Allele origin: germline.
Comment: This sequence change replaces leucine, which is neutral and non-polar, with proline, which is neutral and non-polar, at codon 456 of the RECQL4 protein (p.Leu456Pro). This variant is not present in population databases (gnomAD no frequency). This variant has not been reported in the literature in individuals affected with RECQL4-related conditions. ClinVar contains an entry for this variant (Variation ID: 1052539). Advanced modeling of protein sequence and biophysical properties (such as structural, functional, and spatial information, amino acid conservation, physicochemical variation, residue mobility, and thermodynamic stability) performed at Invitae indicates that this missense variant is not expected to disrupt RECQL4 protein function. In summary, the available evidence is currently insufficient to determine the role of this variant in disease. Therefore, it has been classified as a Variant of Uncertain Significance.

NM_004260.4(RECQL4):c.1367T>C (p.Leu456Pro)

Gene: RECQL4 (RecQ like helicase 4; minus strand). Cytogenetic location: 8q24.3.
Variant type: single nucleotide variant.
Coding change: c.1367T>C on transcript NM_004260.4 (MANE Select); coding-DNA position 1367, T replaced by C.
Protein change: p.Leu456Pro; replaces leucine 456 with proline.
Molecular consequence: missense variant.
Genome position (GRCh38, 1-based): chr8:144,515,349, A>G on the plus strand (T>C on the coding strand, the complement: RECQL4 is on the minus strand). VCF-style: chr8-144515349-A-G. GRCh37 (hg19) VCF-style: chr8-145740733-A-G.
Other names: c.1367T>C (NM_004260.3); short protein forms L456P.
Identifiers: ClinVar variation 1052539 (VCV001052539.7), dbSNP rs2130707777, ClinGen allele CA372685386.